The following is an entry in ClinVar:

ClinVar aggregate classification (germline): Uncertain significance (1 of 4 stars; one submission).

gnomAD v4.1: 2 of 1,614,132 alleles (0.00012%); highest among the groups gnomAD compares: Admixed American, 0.0017%; no homozygotes.

Submission:

GeneDx
Classification: Uncertain significance. Last evaluated: 2026-03-24. Review status: criteria provided, single submitter. Criteria: GeneDx Variant Classification Process June 2021. Collection method: clinical testing. Allele origin: germline.
Comment: Not observed at significant frequency in large population cohorts (gnomAD); In silico analysis supports that this missense variant has a deleterious effect on protein structure/function; Has not been previously published as pathogenic or benign to our knowledge

NM_002866.5(RAB3A):c.191T>C (p.Ile64Thr)

Gene: RAB3A (RAB3A, member RAS oncogene family; minus strand). Cytogenetic location: 19p13.11.
Variant type: single nucleotide variant.
Coding change: c.191T>C on transcript NM_002866.5 (MANE Select); coding-DNA position 191, T replaced by C.
Protein change: p.Ile64Thr; replaces isoleucine 64 with threonine.
Molecular consequence: missense variant.
Genome position (GRCh38, 1-based): chr19:18,202,550, A>G on the plus strand (T>C on the coding strand, the complement: RAB3A is on the minus strand). VCF-style: chr19-18202550-A-G. GRCh37 (hg19) VCF-style: chr19-18313360-A-G.
Other names: short protein forms I64T.
Identifiers: ClinVar variation 5017073 (VCV005017073.1).